The following is an entry in ClinVar:

ClinVar aggregate classification (germline): Pathogenic (1 of 4 stars; one submission).

Conditions:
Hereditary cancer-predisposing syndrome. Also called: Neoplastic Syndromes, Hereditary; Tumor predisposition; Hereditary Cancer Syndrome; Hereditary neoplastic syndrome. Identifiers: Orphanet 140162, MedGen C0027672, MeSH D009386, MONDO:0015356.

Submission:

Ambry Genetics
Classification: Pathogenic for Hereditary cancer-predisposing syndrome. Last evaluated: 2025-08-26. Review status: criteria provided, single submitter. Criteria: Ambry Variant Classification Scheme 2023. Collection method: clinical testing. Allele origin: germline.
Comment: The c.2132delA pathogenic mutation, located in coding exon 9 of the BRCA1 gene, results from a deletion of one nucleotide at nucleotide position 2132, causing a translational frameshift with a predicted alternate stop codon (p.K711Sfs*25). This variant is considered to be rare based on population cohorts in the Genome Aggregation Database (gnomAD). This alteration is expected to result in loss of function by premature protein truncation or nonsense-mediated mRNA decay. As such, this alteration is interpreted as a disease-causing mutation.

NM_007294.4(BRCA1):c.2132del (p.Lys711fs)

Gene: BRCA1 (BRCA1 DNA repair associated; minus strand). Cytogenetic location: 17q21.31.
Variant type: Deletion.
Coding change: c.2132del on transcript NM_007294.4 (MANE Select); coding-DNA position 2132, one base deleted (A; older notation c.2132delA).
Protein change: p.Lys711fs; shifts the reading frame from lysine 711.
Molecular consequence: frameshift variant. On other transcripts: intron variant (137).
Genome position (GRCh38, 1-based): chr17:43,093,399, T deleted on the plus strand (A on the coding strand, the reverse complement: BRCA1 is on the minus strand); the first of 2 consecutive T bases (chr17:43,093,399-43,093,400); deleting either gives the same sequence. VCF-style (leftmost placement, unchanged base first): chr17-43093398-CT-C. GRCh37 (hg19) VCF-style: chr17-41245415-CT-C.
Other names: c.2132delA (NM_007294.3); c.1991del, p.Lys664fs (NM_001407736.1, NM_001407737.1, NM_001407738.1 and 29 more transcripts); c.1988del, p.Lys663fs (NM_001407740.1, NM_001407741.1, NM_001407742.1 and 20 more transcripts); c.451+1345del (NM_001408508.1, NM_001408509.1); c.574+1345del (NM_001408491.1, NM_001408493.1, NM_001408490.1); c.461-2367del (NM_001408506.1, NM_001408507.1); c.577+1345del (NM_001408481.1, NM_001408480.1, NM_001408492.1 and 9 more transcripts); c.778+1345del (NM_001408408.1); and 42 more; short protein forms K663fs, K670fs, K710fs, K584fs, K644fs, K664fs, K669fs, K685fs.
Identifiers: ClinVar variation 4215111 (VCV004215111.1).